The following is an entry in ClinVar:

NM_005751.5(AKAP9):c.10890A>C (p.Arg3630Ser)

Gene: AKAP9 (A-kinase anchoring protein 9; plus strand). Cytogenetic location: 7q21.2.
Variant type: single nucleotide variant.
Coding change: c.10890A>C on transcript NM_005751.5 (MANE Select); coding-DNA position 10890, A replaced by C.
Protein change: p.Arg3630Ser; replaces arginine 3630 with serine.
Molecular consequence: missense variant.
Genome position (GRCh38, 1-based): chr7:92,099,863, A>C. VCF-style: chr7-92099863-A-C. GRCh37 (hg19) VCF-style: chr7-91729177-A-C.
Other names: c.5535A>C, p.Arg1845Ser (NM_001379277.1); c.10866A>C, p.Arg3622Ser (NM_147185.3); short protein forms R1845S, R3630S, R3622S.
Identifiers: ClinVar variation 2626288 (VCV002626288.2), dbSNP rs1027760188, ClinGen allele CA161898865.

ClinVar aggregate classification (germline): Uncertain significance (1 of 4 stars; one submission).

Conditions:
Cardiovascular phenotype. Identifiers: MedGen CN230736.

Allele frequency attached by ClinVar (database versions not stated): gnomAD 0.00001; TOPMed 0.00002.
gnomAD v4.1: 2 of 1,613,858 alleles (0.00012%); highest among the groups gnomAD compares: African/African-American, 0.0027%; no homozygotes.

Submission:

Ambry Genetics
Classification: Uncertain significance for Cardiovascular phenotype. Last evaluated: 2023-07-21. Review status: criteria provided, single submitter. Criteria: Ambry Variant Classification Scheme 2023. Collection method: clinical testing. Allele origin: germline.
Comment: The p.R3630S variant (also known as c.10890A>C), located in coding exon 44 of the AKAP9 gene, results from an A to C substitution at nucleotide position 10890. The arginine at codon 3630 is replaced by serine, an amino acid with dissimilar properties. This amino acid position is conserved. In addition, this alteration is predicted to be tolerated by in silico analysis. Since supporting evidence is limited at this time, the clinical significance of this alteration remains unclear.